The following is an entry in ClinVar:

ClinVar aggregate classification (germline): Uncertain significance (1 of 4 stars; one submission).

Conditions:
Triglyceride storage disease with ichthyosis (CDS). Also called: TRIGLYCERIDE STORAGE DISEASE WITH IMPAIRED LONG-CHAIN FATTY ACID OXIDATION; Chanarin-Dorfman Syndrome; ICHTHYOSIFORM ERYTHRODERMA WITH LEUKOCYTE VACUOLATION; Dorfman-Chanarin disease. Identifiers: Orphanet 98907, MedGen C0268238, MONDO:0010155, OMIM 275630.

Allele frequency attached by ClinVar (database versions not stated): TOPMed below 0.00001.

Submission:

3billion
Classification: Uncertain significance for Triglyceride storage disease with ichthyosis. Review status: criteria provided, single submitter. Criteria: ACMG Guidelines, 2015. Collection method: clinical testing. Allele origin: unknown. Affected: yes. Observed: 1 homozygote.
Comment: The variant is not observed in the gnomAD v2.1.1 dataset. Protein truncation variants are a common disease-causing mechanism. In silico tool predictions suggest damaging effect of the variant on gene or gene product (REVEL: 0.95; 3Cnet: 0.15). Therefore, this variant is classified as Uncertain significance according to the recommendation of ACMG/AMP guideline.

NM_016006.6(ABHD5):c.337G>A (p.Gly113Arg)

Gene: ABHD5 (abhydrolase domain containing 5, lysophosphatidic acid acyltransferase; plus strand). Cytogenetic location: 3p21.33.
Variant type: single nucleotide variant.
Coding change: c.337G>A on transcript NM_016006.6 (MANE Select); coding-DNA position 337, G replaced by A.
Protein change: p.Gly113Arg; replaces glycine 113 with arginine.
Molecular consequence: missense variant. On other transcripts: non-coding transcript variant (1).
Genome position (GRCh38, 1-based): chr3:43,702,418, G>A. VCF-style: chr3-43702418-G-A. GRCh37 (hg19) VCF-style: chr3-43743910-G-A.
Other names: c.337G>A, p.Gly113Arg (NM_001355186.2, NM_001365650.1); c.214G>A, p.Gly72Arg (NM_001365649.1); short protein forms G113R, G72R.
Identifiers: ClinVar variation 2572486 (VCV002572486.1), dbSNP rs2084553611, ClinGen allele CA352345439.